The following is an entry in ClinVar:

ClinVar aggregate classification (germline): Conflicting classifications of pathogenicity. Review status: criteria provided, conflicting classifications (1 of 4 stars). 9 submissions from 5 submitters: Uncertain significance (5); Likely benign (4). Last evaluated 2025-12-09.

Conditions:
Inborn genetic diseases. Identifiers: MedGen C0950123, MeSH D030342.
Congenital myasthenic syndrome 16. Identifiers: Orphanet 590, MedGen C3280112, MONDO:0013620, OMIM 614198.
Paramyotonia congenita of Von Eulenburg. Also called: Paramyotonia Congenita; PARALYSIS PERIODICA PARAMYOTONICA; Eulenburg disease; Myotonia congenita intermittens; Von Eulenburg paramyotonia congenita. Identifiers: Orphanet 684, MedGen C0221055, MONDO:0008195, OMIM 168300. Disease mechanism: loss of function.
Hyperkalemic periodic paralysis. Also called: Familial hyperkalemic periodic paralysis; Gamstorp disease. Identifiers: Orphanet 682, MedGen C0238357, MONDO:0008224, OMIM 170500, HP:0007215.
Potassium-aggravated myotonia. Also called: Myotonia congenita, atypical, acetazolamide-responsive; MYOTONIA CONGENITA, ACETAZOLAMIDE-RESPONSIVE; MYOTONIA CONGENITA, ATYPICAL; SODIUM CHANNEL MUSCLE DISEASE. Identifiers: Orphanet 612, Orphanet 99734, Orphanet 99735, Orphanet 99736, MedGen C2931826, MONDO:0018959, OMIM 608390.
Hypokalemic periodic paralysis, type 2 (HOKPP2). Identifiers: Orphanet 681, MedGen C2750061, MONDO:0013234, OMIM 613345.

Allele frequency attached by ClinVar (database versions not stated): ExAC 0.00003; TOPMed 0.00007; gnomAD 0.00009 and 0.00007; gnomAD exomes 0.00006 and 0.00003; ESP Exome Variant Server 0.00008.
gnomAD v4.1: 94 of 1,613,410 alleles (0.0058%); highest among the groups gnomAD compares: Non-Finnish European, 0.0074%; no homozygotes.

Submissions (9):

Labcorp Genetics (formerly Invitae), Labcorp
Classification: Uncertain significance for Hyperkalemic periodic paralysis. Last evaluated: 2025-12-09. Review status: criteria provided, single submitter. Criteria: Invitae Variant Classification Sherloc (09022015). Collection method: clinical testing. Allele origin: germline.
Comment: This sequence change replaces isoleucine, which is neutral and non-polar, with valine, which is neutral and non-polar, at codon 1428 of the SCN4A protein (p.Ile1428Val). This variant is present in population databases (rs368822028, gnomAD 0.01%). This variant has not been reported in the literature in individuals affected with SCN4A-related conditions. ClinVar contains an entry for this variant (Variation ID: 324519). Invitae Evidence Modeling of protein sequence and biophysical properties (such as structural, functional, and spatial information, amino acid conservation, physicochemical variation, residue mobility, and thermodynamic stability) indicates that this missense variant is not expected to disrupt SCN4A protein function with a negative predictive value of 95%. In summary, the available evidence is currently insufficient to determine the role of this variant in disease. Therefore, it has been classified as a Variant of Uncertain Significance.

Ambry Genetics
Classification: Uncertain significance for Inborn genetic diseases. Last evaluated: 2025-12-03. Review status: criteria provided, single submitter. Criteria: Ambry Variant Classification Scheme 2023. Collection method: clinical testing. Allele origin: germline.

Revvity Omics, Revvity
Classification: Uncertain significance. Last evaluated: 2025-02-04. Review status: criteria provided, single submitter. Criteria: ACMG Guidelines, 2015. Collection method: clinical testing. Allele origin: germline.

Athena Diagnostics
Classification: Uncertain significance. Last evaluated: 2023-04-26. Review status: criteria provided, single submitter. Criteria: Athena Diagnostics Criteria. Collection method: clinical testing. Allele origin: unknown.
Comment: Available data are insufficient to determine the clinical significance of the variant at this time. The frequency of this variant in the general population is higher than would generally be expected for pathogenic variants in this gene. Computational tools predict that this variant is damaging.

Illumina Laboratory Services, Illumina
Classification: Uncertain significance for Congenital myasthenic syndrome 16. Last evaluated: 2018-01-13. Review status: criteria provided, single submitter. Criteria: ICSL Variant Classification Criteria 13 December 2019. Collection method: clinical testing. Allele origin: germline.

Illumina Laboratory Services, Illumina
Classification: Likely benign for Paramyotonia congenita of Von Eulenburg. Last evaluated: 2018-01-13. Review status: criteria provided, single submitter. Criteria: ICSL Variant Classification Criteria 13 December 2019. Collection method: clinical testing. Allele origin: germline.
Comment: This variant was observed in the ICSL laboratory as part of a predisposition screen in an ostensibly healthy population. It had not been previously curated by ICSL or reported in the Human Gene Mutation Database (HGMD: prior to June 1st, 2018), and was therefore a candidate for classification through an automated scoring system. Utilizing variant allele frequency, disease prevalence and penetrance estimates, and inheritance mode, an automated score was calculated to assess if this variant is too frequent to cause the disease. Based on the score and internal cut-off values, a variant classified as likely benign is not then subjected to further curation. The score for this variant resulted in a classification of likely benign for this disease.

Illumina Laboratory Services, Illumina
Classification: Likely benign for Hyperkalemic periodic paralysis. Last evaluated: 2018-01-13. Review status: criteria provided, single submitter. Criteria: ICSL Variant Classification Criteria 13 December 2019. Collection method: clinical testing. Allele origin: germline.
Comment: the same text as in the submission from Illumina Laboratory Services, Illumina above.

Illumina Laboratory Services, Illumina
Classification: Likely benign for Potassium-aggravated myotonia. Last evaluated: 2018-01-13. Review status: criteria provided, single submitter. Criteria: ICSL Variant Classification Criteria 13 December 2019. Collection method: clinical testing. Allele origin: germline.
Comment: the same text as in the submission from Illumina Laboratory Services, Illumina above.

Illumina Laboratory Services, Illumina
Classification: Likely benign for Hypokalemic periodic paralysis, type 2. Last evaluated: 2018-01-13. Review status: criteria provided, single submitter. Criteria: ICSL Variant Classification Criteria 13 December 2019. Collection method: clinical testing. Allele origin: germline.
Comment: the same text as in the submission from Illumina Laboratory Services, Illumina above.

NM_000334.4(SCN4A):c.4282A>G (p.Ile1428Val)

Genes: GH-LCR (growth hormone locus control region; plus strand), SCN4A (sodium voltage-gated channel alpha subunit 4; minus strand). Cytogenetic location: 17q23.3.
Variant type: single nucleotide variant.
Coding change: c.4282A>G on transcript NM_000334.4 (MANE Select); coding-DNA position 4282, A replaced by G.
Protein change: p.Ile1428Val; replaces isoleucine 1428 with valine.
Molecular consequence: missense variant.
Genome position (GRCh38, 1-based): chr17:63,942,832, T>C on the plus strand (A>G on the coding strand, the complement: SCN4A is on the minus strand). VCF-style: chr17-63942832-T-C. GRCh37 (hg19) VCF-style: chr17-62020192-T-C.
Other names: short protein forms I1428V.
Identifiers: ClinVar variation 324519 (VCV000324519.15), dbSNP rs368822028, ClinGen allele CA8709023.